The following is an entry in ClinVar:

NM_001164508.2(NEB):c.4469T>C (p.Met1490Thr)

Gene: NEB (nebulin; minus strand). Cytogenetic location: 2q23.3.
Variant type: single nucleotide variant.
Coding change: c.4469T>C on transcript NM_001164508.2 (MANE Select); coding-DNA position 4469, T replaced by C.
Protein change: p.Met1490Thr; replaces methionine 1490 with threonine.
Molecular consequence: missense variant.
Genome position (GRCh38, 1-based): chr2:151,671,060, A>G on the plus strand (T>C on the coding strand, the complement: NEB is on the minus strand). VCF-style: chr2-151671060-A-G. GRCh37 (hg19) VCF-style: chr2-152527574-A-G.
Other names: c.4469T>C, p.Met1490Thr (NM_001164507.2, NM_001271208.2, NM_004543.5); short protein forms M1490T.
Identifiers: ClinVar variation 447758 (VCV000447758.13), dbSNP rs554984749, ClinGen allele CA1910624.

ClinVar aggregate classification (germline): Conflicting classifications of pathogenicity. Review status: criteria provided, conflicting classifications (1 of 4 stars). 3 submissions from 3 submitters: Uncertain significance (1); Benign (1). 1 of the submissions does not count toward it. Last evaluated 2025-08-18.

Conditions:
Nemaline myopathy 2 (NEM2). Also called: Nemaline myopathy 2, autosomal recessive. Identifiers: MedGen C1850569, MONDO:0009725, OMIM 256030.
Nebulin-related early-onset distal myopathy. Identifiers: Orphanet 399103, MedGen C5190827, MONDO:0018371.

Allele frequency attached by ClinVar (database versions not stated): gnomAD exomes 0.00004 and 0.00003; TOPMed 0.00004; gnomAD 0.00005 and 0.00006; ExAC 0.00003.

Submissions (3):

Labcorp Genetics (formerly Invitae), Labcorp
Classification: Benign for Nemaline myopathy 2. Last evaluated: 2025-08-18. Review status: criteria provided, single submitter. Criteria: Invitae Variant Classification Sherloc (09022015). Collection method: clinical testing. Allele origin: germline.

Athena Diagnostics
Classification: Uncertain significance. Last evaluated: 2017-06-13. Review status: criteria provided, single submitter. Criteria: Athena Diagnostics Criteria. Collection method: clinical testing. Allele origin: germline.

Natera, Inc.
Classification: Uncertain significance for Nemaline myopathy type 2. Last evaluated: 2020-09-16. Review status: no assertion criteria provided. Collection method: clinical testing. Allele origin: germline. Not counted in ClinVar's aggregate classification.